The following is an entry in ClinVar:

ClinVar aggregate classification (germline): Uncertain significance (1 of 4 stars; one submission).

Conditions:
Fibrous dysplasia of jaw (CRBM). Also called: Cherubism. Identifiers: Orphanet 184, MedGen C0008029, MONDO:0007315, OMIM 118400.

Allele frequency attached by ClinVar (database versions not stated): gnomAD exomes below 0.00001; gnomAD 0.00001; TOPMed below 0.00001.
gnomAD v4.1: 6 of 1,612,836 alleles (0.00037%); highest among the groups gnomAD compares: Non-Finnish European, 0.00051%; no homozygotes.

Submission:

Labcorp Genetics (formerly Invitae), Labcorp
Classification: Uncertain significance for Fibrous dysplasia of jaw. Last evaluated: 2025-01-27. Review status: criteria provided, single submitter. Criteria: Invitae Variant Classification Sherloc (09022015). Collection method: clinical testing. Allele origin: germline.
Comment: This sequence change replaces serine, which is neutral and polar, with phenylalanine, which is neutral and non-polar, at codon 114 of the SH3BP2 protein (p.Ser114Phe). This variant is not present in population databases (gnomAD no frequency). This variant has not been reported in the literature in individuals affected with SH3BP2-related conditions. ClinVar contains an entry for this variant (Variation ID: 2917232). Invitae Evidence Modeling of protein sequence and biophysical properties (such as structural, functional, and spatial information, amino acid conservation, physicochemical variation, residue mobility, and thermodynamic stability) indicates that this missense variant is not expected to disrupt SH3BP2 protein function with a negative predictive value of 95%. In summary, the available evidence is currently insufficient to determine the role of this variant in disease. Therefore, it has been classified as a Variant of Uncertain Significance.

NM_001122681.2(SH3BP2):c.341C>T (p.Ser114Phe)

Gene: SH3BP2 (SH3 domain binding protein 2; plus strand). Cytogenetic location: 4p16.3.
Variant type: single nucleotide variant.
Coding change: c.341C>T on transcript NM_001122681.2 (MANE Select); coding-DNA position 341, C replaced by T.
Protein change: p.Ser114Phe; replaces serine 114 with phenylalanine.
Molecular consequence: missense variant.
Genome position (GRCh38, 1-based): chr4:2,824,714, C>T. VCF-style: chr4-2824714-C-T. GRCh37 (hg19) VCF-style: chr4-2826441-C-T.
Other names: c.425C>T, p.Ser142Phe (NM_001145855.2); c.512C>T, p.Ser171Phe (NM_001145856.2); c.341C>T, p.Ser114Phe (NM_003023.4); short protein forms S114F, S142F, S171F.
Identifiers: ClinVar variation 2917232 (VCV002917232.3), dbSNP rs1724499985, ClinGen allele CA356053891.